The following is an entry in ClinVar:

NM_001005498.4(RHBDF2):c.1451G>A (p.Arg484Gln)

Gene: RHBDF2 (rhomboid 5 homolog 2; minus strand). Cytogenetic location: 17q25.1.
Variant type: single nucleotide variant.
Coding change: c.1451G>A on transcript NM_001005498.4 (MANE Select); coding-DNA position 1451, G replaced by A.
Protein change: p.Arg484Gln; replaces arginine 484 with glutamine.
Molecular consequence: missense variant. On other transcripts: non-coding transcript variant (3).
Genome position (GRCh38, 1-based): chr17:76,474,386, C>T on the plus strand (G>A on the coding strand, the complement: RHBDF2 is on the minus strand). VCF-style: chr17-76474386-C-T. GRCh37 (hg19) VCF-style: chr17-74470468-C-T.
Other names: c.1451G>A, p.Arg484Gln (NM_001376228.1, NM_001376229.1, NM_001376230.1); c.1538G>A, p.Arg513Gln (NM_024599.5); short protein forms R513Q, R484Q.
Identifiers: ClinVar variation 2518707 (VCV002518707.7), dbSNP rs763605935, ClinGen allele CA8787001.
Genomic context (GRCh38, chr17:76,474,386, plus strand): 5'-TCCGGGACCAGGGTCTGGCAGGGGTAGGAGGGAGGGCCTGCCCCCACCGAGCAGTCCTTC[C>T]GCTGGGTCTGGATGCATCCGGAGTGGTCATTCTGGACACAGCAGCCTGAGTCCCGCTCCA-3'
Protein context (NP_001005498.2, residues 474-494): NDHSGCIQTQ[Arg484Gln]KDCSETLATF

ClinVar aggregate classification (germline): Conflicting classifications of pathogenicity. Review status: criteria provided, conflicting classifications (1 of 4 stars). 4 submissions from 4 submitters: Uncertain significance (3); Likely benign (1). Last evaluated 2025-11-08.

Conditions:
Inborn genetic diseases. Identifiers: MedGen C0950123, MeSH D030342.
Palmoplantar keratoderma-esophageal carcinoma syndrome (TOC). Also called: PALMOPLANTAR KERATODERMA WITH ESOPHAGEAL CANCER; KERATOSIS PALMARIS ET PLANTARIS WITH ESOPHAGEAL CANCER; Tylosis with Esophageal Cancer. Identifiers: Orphanet 2198, MedGen C1835664, MONDO:0007856, OMIM 148500.

Allele frequency attached by ClinVar (database versions not stated): TOPMed 0.00002; gnomAD 0.00004; ExAC 0.00008.
gnomAD v4.1: 84 of 1,613,116 alleles (0.0052%); highest among the groups gnomAD compares: Middle Eastern, 0.32%; 1 homozygote.

Submissions (4):

Ambry Genetics
Classification: Uncertain significance for Inborn genetic diseases. Last evaluated: 2025-11-08. Review status: criteria provided, single submitter. Criteria: Ambry Variant Classification Scheme 2023. Collection method: clinical testing. Allele origin: germline.

Blueprint Genetics
Classification: Likely benign. Last evaluated: 2024-09-27. Review status: criteria provided, single submitter. Criteria: ACMG Guidelines, 2015. Collection method: clinical testing. Allele origin: germline.

Labcorp Genetics (formerly Invitae), Labcorp
Classification: Uncertain significance. Last evaluated: 2024-06-16. Review status: criteria provided, single submitter. Criteria: Invitae Variant Classification Sherloc (09022015). Collection method: clinical testing. Allele origin: germline.
Comment: This sequence change replaces arginine, which is basic and polar, with glutamine, which is neutral and polar, at codon 513 of the RHBDF2 protein (p.Arg513Gln). This variant is present in population databases (rs763605935, gnomAD 0.03%). This variant has not been reported in the literature in individuals affected with RHBDF2-related conditions. ClinVar contains an entry for this variant (Variation ID: 2518707). Algorithms developed to predict the effect of missense changes on protein structure and function output the following: SIFT: "Not Available"; PolyPhen-2: "Benign"; Align-GVGD: "Not Available". The glutamine amino acid residue is found in multiple mammalian species, which suggests that this missense change does not adversely affect protein function. In summary, the available evidence is currently insufficient to determine the role of this variant in disease. Therefore, it has been classified as a Variant of Uncertain Significance.

Fulgent Genetics
Classification: Uncertain significance for Palmoplantar keratoderma-esophageal carcinoma syndrome. Last evaluated: 2024-04-27. Review status: criteria provided, single submitter. Criteria: ACMG Guidelines, 2015. Collection method: clinical testing. Allele origin: germline.